The following is an entry in ClinVar:

NM_015450.3(POT1):c.58G>T (p.Gly20Cys)

Gene: POT1 (protection of telomeres 1; minus strand). Cytogenetic location: 7q31.33.
Variant type: single nucleotide variant.
Coding change: c.58G>T on transcript NM_015450.3 (MANE Select); coding-DNA position 58, G replaced by T.
Protein change: p.Gly20Cys; replaces glycine 20 with cysteine.
Molecular consequence: missense variant. On other transcripts: 5 prime UTR variant (1), non-coding transcript variant (3).
Genome position (GRCh38, 1-based): chr7:124,892,332, C>A on the plus strand (G>T on the coding strand, the complement: POT1 is on the minus strand). VCF-style: chr7-124892332-C-A. GRCh37 (hg19) VCF-style: chr7-124532386-C-A.
Other names: c.58G>T (NM_015450.2); c.-205G>T (NM_001042594.2); short protein forms G20C.
Identifiers: ClinVar variation 1356717 (VCV001356717.8), dbSNP rs1796391890, ClinGen allele CA369066158.

ClinVar aggregate classification (germline): Uncertain significance. Review status: criteria provided, multiple submitters, no conflicts (2 of 4 stars). 2 submissions from 2 submitters: Uncertain significance (2). Last evaluated 2025-06-11.

Conditions:
Tumor predisposition syndrome 3 (TPDS3). Also called: Melanoma, cutaneous malignant, susceptibility to, 10; Glioma susceptibility 9; LONG TELOMERE SYNDROME, POT1-RELATED; POT1 Tumor Predisposition. Identifiers: Orphanet 618, MedGen C4014476, MONDO:0014368, OMIM 615848.
Hereditary cancer-predisposing syndrome. Also called: Neoplastic Syndromes, Hereditary; Tumor predisposition; Hereditary Cancer Syndrome; Hereditary neoplastic syndrome. Identifiers: Orphanet 140162, MedGen C0027672, MeSH D009386, MONDO:0015356.

Allele frequency attached by ClinVar (database versions not stated): TOPMed below 0.00001.

Submissions (2):

Ambry Genetics
Classification: Uncertain significance for Hereditary cancer-predisposing syndrome. Last evaluated: 2025-06-11. Review status: criteria provided, single submitter. Criteria: Ambry Variant Classification Scheme 2023. Collection method: clinical testing. Allele origin: germline.
Comment: The p.G20C variant (also known as c.58G>T), located in coding exon 2 of the POT1 gene, results from a G to T substitution at nucleotide position 58. The glycine at codon 20 is replaced by cysteine, an amino acid with highly dissimilar properties. This amino acid position is highly conserved in available vertebrate species. In addition, the in silico prediction for this alteration is inconclusive. Based on the available evidence, the clinical significance of this variant remains unclear.

Labcorp Genetics (formerly Invitae), Labcorp
Classification: Uncertain significance for Tumor predisposition syndrome 3. Last evaluated: 2022-10-05. Review status: criteria provided, single submitter. Criteria: Invitae Variant Classification Sherloc (09022015). Collection method: clinical testing. Allele origin: germline.
Comment: This variant is not present in population databases (gnomAD no frequency). This sequence change replaces glycine, which is neutral and non-polar, with cysteine, which is neutral and slightly polar, at codon 20 of the POT1 protein (p.Gly20Cys). In summary, the available evidence is currently insufficient to determine the role of this variant in disease. Therefore, it has been classified as a Variant of Uncertain Significance. Advanced modeling of protein sequence and biophysical properties (such as structural, functional, and spatial information, amino acid conservation, physicochemical variation, residue mobility, and thermodynamic stability) performed at Invitae indicates that this missense variant is not expected to disrupt POT1 protein function. ClinVar contains an entry for this variant (Variation ID: 1356717). This variant has not been reported in the literature in individuals affected with POT1-related conditions.